The following is an entry in ClinVar:

NC_012920.1(MT-CO1):m.7431T>C

Gene: MT-CO1 (mitochondrially encoded cytochrome c oxidase I; plus strand).
Variant type: single nucleotide variant.
Genome position: chrM-7431-T-C.
Identifiers: ClinVar variation 692744 (VCV000692744.1), dbSNP rs1603220957, ClinGen allele CA414792811.

ClinVar aggregate classification (germline): Uncertain significance (1 of 4 stars; one submission).

Conditions:
Leigh syndrome (NULS). Also called: Leigh's necrotizing encephalopathy; Leigh's disease; Leigh Syndrome (mtDNA deletion); Leigh Disease; Subacute necrotizing encephalopathy; Necrotizing encephalopathy infantile subacute of Leigh. Identifiers: Orphanet 506, MedGen C2931891, MONDO:0009723, OMIM 256000.

Submission:

Wong Mito Lab, Molecular and Human Genetics, Baylor College of Medicine
Classification: Uncertain significance for Leigh syndrome. Last evaluated: 2019-10-17. Review status: criteria provided, single submitter. Criteria: Modified ACMG Guidelines (Unpublished). Collection method: clinical testing. Allele origin: germline.
Comment: The NC_012920.1:m.7431T>C (YP_003024028.1:p.Tyr510His) variant in MTCO1 gene is interpretated to be a Uncertain Significance variant based on the modified ACMG guidelines (unpublished). This variant meets the following evidence codes: PP7